The following is an entry in ClinVar:

ClinVar aggregate classification (germline): Uncertain significance. Review status: criteria provided, multiple submitters, no conflicts (2 of 4 stars). 4 submissions from 4 submitters: Uncertain significance (4). Last evaluated 2026-04-20.

Conditions:
Rienhoff syndrome. Also called: LOEYS-DIETZ SYNDROME 5. Identifiers: MedGen C3810012, MONDO:0014262, OMIM 615582.
Familial thoracic aortic aneurysm and aortic dissection (TAAD). Also called: Thoracic aortic aneurysms and dissections. Identifiers: Orphanet 91387, MedGen C4707243, MONDO:0019625.
Long QT syndrome (LQTS). Identifiers: MedGen C0023976, MeSH D008133, MONDO:0002442. Disease mechanism: loss of function. Inheritance: Various modes of inheritance.
TGFB3-related disorder. Also called: TGFB3-related condition.

Allele frequency attached by ClinVar (database versions not stated): gnomAD exomes below 0.00001; gnomAD 0.00001; TOPMed 0.00001.

Submissions (4):

PreventionGenetics, part of Exact Sciences
Classification: Uncertain significance for TGFB3-related condition. Last evaluated: 2026-04-20. Review status: criteria provided, single submitter. Criteria: ACMG Guidelines, 2015. Collection method: clinical testing. Allele origin: germline.
Comment: The TGFB3 c.860G>A variant is predicted to result in the amino acid substitution p.Arg287Gln. To our knowledge, this variant has not been reported in the literature. This variant is reported in 0.0054% of alleles in individuals of East Asian descent in gnomAD. At this time, the clinical significance of this variant is uncertain due to the absence of conclusive functional and genetic evidence.

Labcorp Genetics (formerly Invitae), Labcorp
Classification: Uncertain significance for Rienhoff syndrome. Last evaluated: 2025-06-02. Review status: criteria provided, single submitter. Criteria: Invitae Variant Classification Sherloc (09022015). Collection method: clinical testing. Allele origin: germline.
Comment: This sequence change replaces arginine, which is basic and polar, with glutamine, which is neutral and polar, at codon 287 of the TGFB3 protein (p.Arg287Gln). This variant is present in population databases (no rsID available, gnomAD 0.006%). This variant has not been reported in the literature in individuals affected with TGFB3-related conditions. ClinVar contains an entry for this variant (Variation ID: 1764037). Invitae Evidence Modeling of protein sequence and biophysical properties (such as structural, functional, and spatial information, amino acid conservation, physicochemical variation, residue mobility, and thermodynamic stability) indicates that this missense variant is not expected to disrupt TGFB3 protein function with a negative predictive value of 80%. In summary, the available evidence is currently insufficient to determine the role of this variant in disease. Therefore, it has been classified as a Variant of Uncertain Significance.

Ambry Genetics
Classification: Uncertain significance for Familial thoracic aortic aneurysm and aortic dissection. Last evaluated: 2025-04-14. Review status: criteria provided, single submitter. Criteria: Ambry Variant Classification Scheme 2023. Collection method: clinical testing. Allele origin: germline.
Comment: The p.R287Q variant (also known as c.860G>A), located in coding exon 5 of the TGFB3 gene, results from a G to A substitution at nucleotide position 860. The arginine at codon 287 is replaced by glutamine, an amino acid with highly similar properties. This amino acid position is conserved. In addition, the in silico prediction for this alteration is inconclusive. Since supporting evidence is limited at this time, the clinical significance of this alteration remains unclear.

Dept of Medical Biology, Uskudar University
Classification: Uncertain significance for Long QT syndrome. Last evaluated: 2024-01-08. Review status: criteria provided, single submitter. Criteria: Dept of Medical Biology Variant Classification. Collection method: research. Allele origin: unknown. Affected: yes. Observed: 1 variant allele.
Comment: Criteria: PM2

NM_003239.5(TGFB3):c.860G>A (p.Arg287Gln)

Gene: TGFB3 (transforming growth factor beta 3; minus strand). Cytogenetic location: 14q24.3.
Variant type: single nucleotide variant.
Coding change: c.860G>A on transcript NM_003239.5 (MANE Select); coding-DNA position 860, G replaced by A.
Protein change: p.Arg287Gln; replaces arginine 287 with glutamine.
Molecular consequence: missense variant.
Genome position (GRCh38, 1-based): chr14:75,963,382, C>T on the plus strand (G>A on the coding strand, the complement: TGFB3 is on the minus strand). VCF-style: chr14-75963382-C-T. GRCh37 (hg19) VCF-style: chr14-76429725-C-T.
Other names: c.860G>A (NM_003239.4); c.860G>A, p.Arg287Gln (NM_001329938.2, NM_001329939.2); short protein forms R287Q.
Identifiers: ClinVar variation 1764037 (VCV001764037.8), dbSNP rs1191368075, ClinGen allele CA390468358.